The following is an entry in ClinVar:

NM_000199.5(SGSH):c.1090A>G (p.Ser364Gly)

Gene: SGSH (N-sulfoglucosamine sulfohydrolase; minus strand). Cytogenetic location: 17q25.3.
Variant type: single nucleotide variant.
Coding change: c.1090A>G on transcript NM_000199.5 (MANE Select); coding-DNA position 1090, A replaced by G.
Protein change: p.Ser364Gly; replaces serine 364 with glycine.
Molecular consequence: missense variant. On other transcripts: 3 prime UTR variant (2), non-coding transcript variant (1).
Genome position (GRCh38, 1-based): chr17:80,210,871, T>C on the plus strand (A>G on the coding strand, the complement: SGSH is on the minus strand). VCF-style: chr17-80210871-T-C. GRCh37 (hg19) VCF-style: chr17-78184670-T-C.
Other names: c.*177A>G (NM_001352921.3); c.*140A>G (NM_001352922.2); short protein forms S364G.
Identifiers: ClinVar variation 1486212 (VCV001486212.8), dbSNP rs2144696405, ClinGen allele CA401359169.

ClinVar aggregate classification (germline): Uncertain significance (1 of 4 stars; one submission).

Conditions:
Mucopolysaccharidosis, MPS-III-A (MPS3A). Also called: HEPARAN SULFATE SULFATASE DEFICIENCY; SANFILIPPO SYNDROME A; SULFAMIDASE DEFICIENCY; MPS III A; MPS IIIA (Sanfilippo Syndrome Type A); Mucopolysaccharidosis type IIIA (Sanfilippo A). Identifiers: Orphanet 581, Orphanet 79269, MedGen C0086647, MONDO:0009655, OMIM 252900.

Submission:

Labcorp Genetics (formerly Invitae), Labcorp
Classification: Uncertain significance for Mucopolysaccharidosis, MPS-III-A. Last evaluated: 2022-09-07. Review status: criteria provided, single submitter. Criteria: Invitae Variant Classification Sherloc (09022015). Collection method: clinical testing. Allele origin: germline.
Comment: This variant is not present in population databases (gnomAD no frequency). This variant has not been reported in the literature in individuals affected with SGSH-related conditions. ClinVar contains an entry for this variant (Variation ID: 1486212). Algorithms developed to predict the effect of missense changes on protein structure and function (SIFT, PolyPhen-2, Align-GVGD) all suggest that this variant is likely to be disruptive. In summary, the available evidence is currently insufficient to determine the role of this variant in disease. Therefore, it has been classified as a Variant of Uncertain Significance. This sequence change replaces serine, which is neutral and polar, with glycine, which is neutral and non-polar, at codon 364 of the SGSH protein (p.Ser364Gly).